The following is an entry in ClinVar:

NM_001042681.2(RERE):c.4145C>T (p.Ala1382Val)

Gene: RERE (arginine-glutamic acid dipeptide repeats; minus strand). Cytogenetic location: 1p36.23.
Variant type: single nucleotide variant.
Coding change: c.4145C>T on transcript NM_001042681.2 (MANE Select); coding-DNA position 4145, C replaced by T.
Protein change: p.Ala1382Val; replaces alanine 1382 with valine.
Molecular consequence: missense variant.
Genome position (GRCh38, 1-based): chr1:8,358,390, G>A on the plus strand (C>T on the coding strand, the complement: RERE is on the minus strand). VCF-style: chr1-8358390-G-A. GRCh37 (hg19) VCF-style: chr1-8418450-G-A.
Other names: c.2483C>T, p.Ala828Val (NM_001042682.2); c.4145C>T, p.Ala1382Val (NM_012102.4); short protein forms A828V, A1382V.
Identifiers: ClinVar variation 2228366 (VCV002228366.26), dbSNP rs1641387459, ClinGen allele CA338169116.

ClinVar aggregate classification (germline): Conflicting classifications of pathogenicity. Review status: criteria provided, conflicting classifications (1 of 4 stars). 3 submissions from 3 submitters: Uncertain significance (1); Likely benign (1). 1 of the submissions does not count toward it. Last evaluated 2025-10-30.

Conditions:
RERE-related disorder. Also called: RERE-related condition; RERE-Related Disorders. Identifiers: MedGen CN381537.
Inborn genetic diseases. Identifiers: MedGen C0950123, MeSH D030342.

Allele frequency attached by ClinVar (database versions not stated): gnomAD exomes below 0.00001; TOPMed below 0.00001; gnomAD 0.00001.
gnomAD v4.1: 6 of 1,607,290 alleles (0.00037%); highest among the groups gnomAD compares: Non-Finnish European, 0.00051%; no homozygotes.

Submissions (3):

Ambry Genetics
Classification: Likely benign for Inborn genetic diseases. Last evaluated: 2025-10-30. Review status: criteria provided, single submitter. Criteria: Ambry Variant Classification Scheme 2023. Collection method: clinical testing. Allele origin: germline.

CeGaT Center for Human Genetics Tuebingen
Classification: Uncertain significance. Last evaluated: 2025-09-01. Review status: criteria provided, single submitter. Criteria: CeGaT Center For Human Genetics Tuebingen Variant Classification Criteria Version 2. Collection method: clinical testing. Allele origin: germline. Affected: yes. Observed: 2 variant alleles.

PreventionGenetics, part of Exact Sciences
Classification: Uncertain significance for RERE-related condition. Last evaluated: 2024-05-07. Review status: no assertion criteria provided. Collection method: clinical testing. Allele origin: germline. Not counted in ClinVar's aggregate classification.
Comment: The RERE c.4145C>T variant is predicted to result in the amino acid substitution p.Ala1382Val. To our knowledge, this variant has not been reported in the literature or in a large population database, indicating this variant is rare. At this time, the clinical significance of this variant is uncertain due to the absence of conclusive functional and genetic evidence.

Literature cited by the submitters: PubMed 28518168 (cited by Ambry Genetics); PubMed 32461654 (cited by Ambry Genetics).